The following is an entry in ClinVar:

ClinVar aggregate classification (germline): Uncertain significance (1 of 4 stars; one submission).

Conditions:
Atypical glycine encephalopathy. Also called: Glycine encephalopathy with normal serum glycine. Identifiers: Orphanet 289863, MedGen C4310943, MONDO:0015010, OMIM 617301.

Submission:

3billion
Classification: Uncertain significance for Atypical glycine encephalopathy. Last evaluated: 2023-08-21. Review status: criteria provided, single submitter. Criteria: ACMG Guidelines, 2015. Collection method: clinical testing. Allele origin: germline. Affected: yes.
Comment: The variant is not observed in the gnomAD v2.1.1 dataset. Predicted Consequence/Location: Intron variant In silico tools predict the variant to alter splicing and produce an abnormal transcript [SpliceAI: 0.27 (>=0.2, moderate evidence for spliceogenicity)]. Therefore, this variant is classified as VUS according to the recommendation of ACMG/AMP guideline.

NM_001024845.3(SLC6A9):c.859-3C>A

Gene: SLC6A9 (solute carrier family 6 member 9; minus strand). Cytogenetic location: 1p34.1.
Variant type: single nucleotide variant.
Coding change: c.859-3C>A on transcript NM_001024845.3 (MANE Select); 3 bases into the intron before coding-DNA position 859, C replaced by A.
Molecular consequence: intron variant.
Genome position (GRCh38, 1-based): chr1:44,002,419, G>T on the plus strand (C>A on the coding strand, the complement: SLC6A9 is on the minus strand). VCF-style: chr1-44002419-G-T. GRCh37 (hg19) VCF-style: chr1-44468091-G-T.
Other names: c.526-3C>A (NM_001328630.2, NM_001328626.2); c.859-3C>A (NM_001328629.1); c.664-3C>A (NM_001328628.1); c.796-3C>A (NM_001328627.1); c.871-3C>A (NM_001261380.2); c.916-3C>A (NM_006934.4); c.1078-3C>A (NM_201649.4).
Identifiers: ClinVar variation 3775949 (VCV003775949.1).